The following is an entry in ClinVar:

NM_002474.3(MYH11):c.5829A>G (p.Gly1943=)

Genes: NDE1 (nudE neurodevelopment protein 1; plus strand), MYH11 (myosin heavy chain 11; minus strand). Cytogenetic location: 16p13.11.
Variant type: single nucleotide variant.
Coding change: c.5829A>G on transcript NM_002474.3 (MANE Select); coding-DNA position 5829, A replaced by G.
Protein change: p.Gly1943=; no amino-acid change (glycine 1943 retained).
Molecular consequence: synonymous variant. On other transcripts: 3 prime UTR variant (2), intron variant (2).
Genome position (GRCh38, 1-based): chr16:15,704,081, T>C on the plus strand (A>G on the coding strand, the complement: MYH11 is on the minus strand). VCF-style: chr16-15704081-T-C. GRCh37 (hg19) VCF-style: chr16-15797938-T-C.
Other names: c.*51A>G (NM_001040113.2, NM_022844.3); c.5850A>G, p.Gly1950= (NM_001040114.2); c.947+7221T>C (NM_001143979.2, NM_017668.3).
Identifiers: ClinVar variation 514103 (VCV000514103.9), dbSNP rs199752132, ClinGen allele CA7921058.

ClinVar aggregate classification (germline): Likely benign. Review status: criteria provided, multiple submitters, no conflicts (2 of 4 stars). 5 submissions from 5 submitters: Likely benign (5). Last evaluated 2024-08-26.

Conditions:
Familial thoracic aortic aneurysm and aortic dissection (TAAD). Also called: Thoracic aortic aneurysms and dissections. Identifiers: Orphanet 91387, MedGen C4707243, MONDO:0019625.
Aortic aneurysm, familial thoracic 4 (AAT4). Also called: AORTIC ANEURYSM/AORTIC DISSECTION AND PATENT DUCTUS ARTERIOSUS. Identifiers: MedGen C1851504, MONDO:0007568, OMIM 132900.
Visceral myopathy 2. Identifiers: MedGen C5543466, MONDO:0859157, OMIM 619350.
Megacystis-microcolon-intestinal hypoperistalsis syndrome 2. Identifiers: MedGen C5543476, MONDO:0025708, OMIM 619351.

Allele frequency attached by ClinVar (database versions not stated): gnomAD 0.00001; TOPMed 0.00005; gnomAD exomes 0.00008 and 0.00018; ExAC 0.00013.
gnomAD v4.1: 51 of 1,614,062 alleles (0.0032%); highest among the groups gnomAD compares: Admixed American, 0.082%; no homozygotes.

Submissions (5):

ARUP Laboratories, Molecular Genetics and Genomics, ARUP Laboratories
Classification: Likely benign. Last evaluated: 2024-08-26. Review status: criteria provided, single submitter. Criteria: ARUP Molecular Germline Variant Investigation Process 2024. Collection method: clinical testing. Allele origin: germline.

Fulgent Genetics
Classification: Likely benign for Aortic aneurysm, familial thoracic 4; Visceral myopathy 2; Megacystis-microcolon-intestinal hypoperistalsis syndrome 2. Last evaluated: 2021-09-01. Review status: criteria provided, single submitter. Criteria: ACMG Guidelines, 2015. Collection method: clinical testing. Allele origin: unknown.

Color Diagnostics, LLC DBA Color Health
Classification: Likely benign for Familial thoracic aortic aneurysm and aortic dissection. Last evaluated: 2019-07-28. Review status: criteria provided, single submitter. Criteria: ACMG Guidelines, 2015. Collection method: clinical testing. Allele origin: germline.

GeneDx
Classification: Likely benign. Last evaluated: 2017-12-14. Review status: criteria provided, single submitter. Criteria: GeneDx Variant Classification (06012015). Collection method: clinical testing. Allele origin: germline. Affected: yes.
Comment: This variant is considered likely benign or benign based on one or more of the following criteria: it is a conservative change, it occurs at a poorly conserved position in the protein, it is predicted to be benign by multiple in silico algorithms, and/or has population frequency not consistent with disease.

Ambry Genetics
Classification: Likely benign for Familial thoracic aortic aneurysm and aortic dissection. Last evaluated: 2017-02-27. Review status: criteria provided, single submitter. Criteria: Ambry Variant Classification Scheme 2023. Collection method: clinical testing. Allele origin: germline.